The following is an entry in ClinVar:

ClinVar aggregate classification (germline): Uncertain significance (1 of 4 stars; one submission).

Conditions:
Deficiency of isobutyryl-CoA dehydrogenase. Also called: ACAD8 DEFICIENCY; IBD DEFICIENCY; ACYL-CoA DEHYDROGENASE FAMILY, MEMBER 8, DEFICIENCY OF. Identifiers: Orphanet 79159, MedGen C1969809, MONDO:0012648, OMIM 611283.

Allele frequency attached by ClinVar (database versions not stated): gnomAD exomes 0.00003 and 0.00008; gnomAD 0.00004 and 0.00005; TOPMed 0.00004; ExAC 0.00005; ESP Exome Variant Server 0.00015.
gnomAD v4.1: 116 of 1,613,948 alleles (0.0072%); highest among the groups gnomAD compares: Non-Finnish European, 0.0092%; no homozygotes.

Submission:

Labcorp Genetics (formerly Invitae), Labcorp
Classification: Uncertain significance for Deficiency of isobutyryl-CoA dehydrogenase. Last evaluated: 2022-11-24. Review status: criteria provided, single submitter. Criteria: Invitae Variant Classification Sherloc (09022015). Collection method: clinical testing. Allele origin: germline.
Comment: In summary, the available evidence is currently insufficient to determine the role of this variant in disease. Therefore, it has been classified as a Variant of Uncertain Significance. Advanced modeling of protein sequence and biophysical properties (such as structural, functional, and spatial information, amino acid conservation, physicochemical variation, residue mobility, and thermodynamic stability) performed at Invitae indicates that this missense variant is not expected to disrupt ACAD8 protein function. ClinVar contains an entry for this variant (Variation ID: 1407116). This missense change has been observed in individual(s) with clinical features of isobutyryl-CoA dehydrogenase deficiency (PMID: 16857760, 17304052). The frequency data for this variant in the population databases is considered unreliable, as metrics indicate poor data quality at this position in the gnomAD database. This sequence change replaces proline, which is neutral and non-polar, with leucine, which is neutral and non-polar, at codon 148 of the ACAD8 protein (p.Pro148Leu).

Literature cited by the submitters: PubMed 16857760; PubMed 17304052.

NM_014384.3(ACAD8):c.443C>T (p.Pro148Leu)

Gene: ACAD8 (acyl-CoA dehydrogenase family member 8; plus strand). Cytogenetic location: 11q25.
Variant type: single nucleotide variant.
Coding change: c.443C>T on transcript NM_014384.3 (MANE Select); coding-DNA position 443, C replaced by T.
Protein change: p.Pro148Leu; replaces proline 148 with leucine.
Molecular consequence: missense variant.
Genome position (GRCh38, 1-based): chr11:134,258,577, C>T. VCF-style: chr11-134258577-C-T. GRCh37 (hg19) VCF-style: chr11-134128471-C-T.
Other names: short protein forms P148L.
Identifiers: ClinVar variation 1407116 (VCV001407116.6), dbSNP rs374584216, ClinGen allele CA6372945.
Genomic context (GRCh38, chr11:134,258,577, plus strand): 5'-TGTGTGCCTGGATGATTGATAGCTTCGGAAATGAGGAACAGAGGCACAAATTTTGCCCAC[C>T]GCTCTGTACCATGGAGAAGTTTGCTTCCTACTGCCTCACTGAACCAGGTGAATTTGCCAC-3'
Protein context (NP_055199.1, residues 138-158): NEEQRHKFCP[Pro148Leu]LCTMEKFASY